The following is an entry in ClinVar:

ClinVar aggregate classification (germline): Uncertain significance. Review status: criteria provided, multiple submitters, no conflicts (2 of 4 stars). 3 submissions from 3 submitters: Uncertain significance (3). Last evaluated 2026-07-21.

Conditions:
Hypercholesterolemia, autosomal dominant, type B (FHCL2). Also called: APOLIPOPROTEIN B-100, FAMILIAL DEFECTIVE; APOLIPOPROTEIN B-100, FAMILIAL LIGAND-DEFECTIVE; APOB-Related Familial Hypercholesterolemia, Autosomal Dominant; Familial Hypercholesterolemia Type B; HYPERCHOLESTEROLEMIA, FAMILIAL, DUE TO LIGAND-DEFECTIVE APOLIPOPROTEIN B; Familial hypercholesterolemia 2. Identifiers: MedGen C1704417, MONDO:0007751, OMIM 144010.
Familial hypobetalipoproteinemia 1. Also called: APOB-Related Familial Hypobetalipoproteinemia; Hypobetalipoproteinemia, normotriglyceridemic; Acanthocytosis with hypobetalipoproteinemia. Identifiers: MedGen C4551990, MONDO:0014252, OMIM 615558.
Hypercholesterolemia, familial, 1. Also called: LDL RECEPTOR DISORDER; Hyperlipoproteinemia Type IIa; HYPER-LOW-DENSITY-LIPOPROTEINEMIA; HYPERCHOLESTEROLEMIC XANTHOMATOSIS, FAMILIAL; Fredrickson type IIa hyperlipoproteinemia; Hyperlipoproteinemia type 2. Identifiers: Orphanet 391665, MedGen C0745103, MONDO:0007750, OMIM 143890.
Cardiovascular phenotype. Identifiers: MedGen CN230736.

Allele frequency attached by ClinVar (database versions not stated): TOPMed 0.00001.

Submissions (3):

Ambry Genetics
Classification: Uncertain significance for Cardiovascular phenotype. Last evaluated: 2026-07-21. Review status: criteria provided, single submitter. Criteria: Ambry Variant Classification Scheme 2023. Collection method: clinical testing. Allele origin: germline.
Comment: The p.V4115I variant (also known as c.12343G>A), located in coding exon 29 of the APOB gene, results from a G to A substitution at nucleotide position 12343. The valine at codon 4115 is replaced by isoleucine, an amino acid with highly similar properties. This amino acid position is conserved. In addition, this alteration is predicted to be tolerated by in silico analysis. Based on the available evidence, the clinical significance of this variant remains unclear.

Robarts Research Institute, Western University
Classification: Uncertain significance for Hypercholesterolemia, familial, 1. Last evaluated: 2018-01-02. Review status: criteria provided, single submitter. Criteria: ACMG Guidelines, 2015. Collection method: clinical testing. Allele origin: germline. Inheritance: Autosomal dominant inheritance. Affected: yes.

Labcorp Genetics (formerly Invitae), Labcorp
Classification: Uncertain significance for Familial hypobetalipoproteinemia 1; Hypercholesterolemia, autosomal dominant, type B. Last evaluated: 2017-11-25. Review status: criteria provided, single submitter. Criteria: Invitae Variant Classification Sherloc (09022015). Collection method: clinical testing. Allele origin: germline.
Comment: This sequence change replaces valine with isoleucine at codon 4115 of the APOB protein (p.Val4115Ile). The valine residue is weakly conserved and there is a small physicochemical difference between valine and isoleucine. This variant is not present in population databases (ExAC no frequency). This variant has not been reported in the literature in individuals with APOB-related disease. Algorithms developed to predict the effect of missense changes on protein structure and function (SIFT, PolyPhen-2, Align-GVGD) all suggest that this variant is likely to be tolerated, but these predictions have not been confirmed by published functional studies and their clinical significance is uncertain. In summary, the available evidence is currently insufficient to determine the role of this variant in disease. Therefore, it has been classified as a Variant of Uncertain Significance.

NM_000384.3(APOB):c.12343G>A (p.Val4115Ile)

Gene: APOB (apolipoprotein B; minus strand). Cytogenetic location: 2p24.1.
Variant type: single nucleotide variant.
Coding change: c.12343G>A on transcript NM_000384.3 (MANE Select); coding-DNA position 12343, G replaced by A.
Protein change: p.Val4115Ile; replaces valine 4115 with isoleucine.
Molecular consequence: missense variant.
Genome position (GRCh38, 1-based): chr2:21,003,079, C>T on the plus strand (G>A on the coding strand, the complement: APOB is on the minus strand). VCF-style: chr2-21003079-C-T. GRCh37 (hg19) VCF-style: chr2-21225951-C-T.
Other names: short protein forms V4115I.
Identifiers: ClinVar variation 544070 (VCV000544070.11), dbSNP rs765681925, ClinGen allele CA345971510.